The following is an entry in ClinVar:

NM_018896.5(CACNA1G):c.1796C>G (p.Pro599Arg)

Gene: CACNA1G (calcium voltage-gated channel subunit alpha1 G; plus strand). Cytogenetic location: 17q21.33.
Variant type: single nucleotide variant.
Coding change: c.1796C>G on transcript NM_018896.5 (MANE Select); coding-DNA position 1796, C replaced by G.
Protein change: p.Pro599Arg; replaces proline 599 with arginine.
Molecular consequence: missense variant. On other transcripts: non-coding transcript variant (5).
Genome position (GRCh38, 1-based): chr17:50,576,198, C>G. VCF-style: chr17-50576198-C-G. GRCh37 (hg19) VCF-style: chr17-48653559-C-G.
Other names: c.1796C>G, p.Pro599Arg (NM_001256324.2, NM_001256325.2, NM_001256326.2 and 24 more transcripts); short protein forms P599R.
Identifiers: ClinVar variation 3375657 (VCV003375657.2).

ClinVar aggregate classification (germline): Uncertain significance (1 of 4 stars; one submission).

Submission:

GeneDx
Classification: Uncertain significance. Last evaluated: 2026-04-24. Review status: criteria provided, single submitter. Criteria: GeneDx Variant Classification Process June 2021. Collection method: clinical testing. Allele origin: germline.
Comment: In silico analysis supports that this missense variant has a deleterious effect on protein structure/function; Has not been previously published as pathogenic or benign to our knowledge